The following is an entry in ClinVar:

NM_001429.4(EP300):c.6665AGC[3] (p.Gln2225del)

Gene: EP300 (EP300 lysine acetyltransferase; plus strand). Cytogenetic location: 22q13.2.
Variant type: Microsatellite.
Coding change: c.6665AGC[3] on transcript NM_001429.4 (MANE Select); three copies in a row of the 3-base unit AGC starting at c.6665; the reference has four copies in a row; one copy, 3 bases deleted.
Protein change: p.Gln2225del; deletes glutamine 2225.
Molecular consequence: inframe deletion.
Genome position (GRCh38, 1-based): chr22:41,178,385-41,178,387, AGC deleted; deleting any 3 consecutive bases within chr22:41,178,375-41,178,387 gives the same sequence; the position shown is the placement nearest the transcript's 3' end. VCF-style (leftmost placement, unchanged base first): chr22-41178374-ACAG-A. GRCh37 (hg19) VCF-style: chr22-41574378-ACAG-A.
Other names: c.6587AGC[3], p.Gln2199del (NM_001362843.2); short protein forms Q2199del, Q2225del.
Identifiers: ClinVar variation 4981208 (VCV004981208.1).
Genomic context (GRCh38, chr22:41,178,374, plus strand): 5'-AGGCCCTGGAATGGCCAACCATAACCAGTTCCAGCAACCCCAAGGAGTTGGCTACCCACC[ACAG>A]CAGCAGCAGCGGATGCAGCATCACATGCAACAGATGCAACAAGGAAATATGGGACAGATA-3'

ClinVar aggregate classification (germline): Uncertain significance (1 of 4 stars; one submission).

Conditions:
EP300-related disorder. Also called: EP300-related condition; EP300-related disorders.

Submission:

PreventionGenetics, part of Exact Sciences
Classification: Uncertain significance for EP300-related condition. Last evaluated: 2024-12-27. Review status: criteria provided, single submitter. Criteria: ACMG Guidelines, 2015. Collection method: clinical testing. Allele origin: germline.
Comment: The EP300 c.6674_6676delAGC variant is predicted to result in an in-frame deletion (p.Gln2225del). To our knowledge, this variant has not been reported in the literature. This variant is reported in 0.020% of alleles in individuals of South Asian descent in gnomAD. Although we suspect that this variant may be benign, at this time, the clinical significance of this variant is uncertain due to the absence of conclusive functional and genetic evidence.